The following is an entry in ClinVar:

ClinVar aggregate classification (germline): Likely pathogenic (1 of 4 stars; one submission).

Conditions:
Usher syndrome type 2A. Also called: RETINAL DISEASE IN USHER SYNDROME TYPE IIA, MODIFIER OF; USHER SYNDROME, TYPE IIA. Identifiers: Orphanet 231178, Orphanet 886, MedGen C1848634, MONDO:0010169, OMIM 276901.

Submission:

Natera, Inc.
Classification: Likely pathogenic for Usher syndrome type 2A. Last evaluated: 2024-09-29. Review status: criteria provided, single submitter. Criteria: Natera Variant Classification Schema (03/2026). Collection method: clinical testing. Allele origin: germline.
Comment: The c.8845+628C>T variant in USH2A is an intronic variant located outside the canonical splice sites. This variant is rare in the general population with a frequency below the threshold expected for the associated phenotype(s). This variant has been observed in one or more individuals affected with the associated recessive disease, as either homozygous or compound heterozygous with a second variant (PMID: 26629787). Functional studies show that this variant may disrupt protein function (PMID: 26629787). Multiple computational prediction algorithms suggest this variant is unlikely to affect gene or protein function. Given the available evidence, this variant is classified as Likely Pathogenic.

Literature cited by the submitters: PubMed 26629787.

NM_206933.4(USH2A):c.8845+628C>T

Gene: USH2A (usherin; minus strand). Cytogenetic location: 1q41.
Variant type: single nucleotide variant.
Coding change: c.8845+628C>T on transcript NM_206933.4 (MANE Select); 628 bases into the intron after coding-DNA position 8845, C replaced by T.
Molecular consequence: intron variant.
Genome position (GRCh38, 1-based): chr1:215,866,379, G>A on the plus strand (C>T on the coding strand, the complement: USH2A is on the minus strand). VCF-style: chr1-215866379-G-A. GRCh37 (hg19) VCF-style: chr1-216039721-G-A.
Identifiers: ClinVar variation 4817159 (VCV004817159.1).